The following is an entry in ClinVar:

ClinVar aggregate classification (germline): Uncertain significance (1 of 4 stars; one submission).

Conditions:
Hereditary spastic paraplegia 4. Also called: Spastic Paraplegia 4; Familial spastic paraplegia autosomal dominant 2; Spastic paraplegia 4, autosomal dominant. Identifiers: Orphanet 100985, MedGen C1866855, MONDO:0008438, OMIM 182601.

Allele frequency attached by ClinVar (database versions not stated): ExAC 0.00001; gnomAD 0.00001; gnomAD exomes 0.00001.
gnomAD v4.1: 5 of 1,613,432 alleles (0.00031%); highest among the groups gnomAD compares: Admixed American, 0.0067%; no homozygotes.

Submission:

Labcorp Genetics (formerly Invitae), Labcorp
Classification: Uncertain significance for Hereditary spastic paraplegia 4. Last evaluated: 2023-01-15. Review status: criteria provided, single submitter. Criteria: Invitae Variant Classification Sherloc (09022015). Collection method: clinical testing. Allele origin: germline.
Comment: This variant has not been reported in the literature in individuals affected with SPAST-related conditions. This sequence change affects codon 473 of the SPAST mRNA. It is a 'silent' change, meaning that it does not change the encoded amino acid sequence of the SPAST protein. This variant is present in population databases (rs778401076, gnomAD 0.009%). Algorithms developed to predict the effect of sequence changes on RNA splicing suggest that this variant may disrupt the consensus splice site. In summary, the available evidence is currently insufficient to determine the role of this variant in disease. Therefore, it has been classified as a Variant of Uncertain Significance.

NM_014946.4(SPAST):c.1419G>A (p.Gln473=)

Gene: SPAST (spastin; plus strand). Cytogenetic location: 2p22.3.
Variant type: single nucleotide variant.
Coding change: c.1419G>A on transcript NM_014946.4 (MANE Select); coding-DNA position 1419, G replaced by A.
Protein change: p.Gln473=; no amino-acid change (glutamine 473 retained).
Molecular consequence: synonymous variant.
Genome position (GRCh38, 1-based): chr2:32,137,114, G>A. VCF-style: chr2-32137114-G-A. GRCh37 (hg19) VCF-style: chr2-32362183-G-A.
Other names: c.1416G>A, p.Gln472= (NM_001363823.2); c.1320G>A, p.Gln440= (NM_001363875.2); c.1323G>A, p.Gln441= (NM_001377959.1, NM_199436.2).
Identifiers: ClinVar variation 3015462 (VCV003015462.3), dbSNP rs778401076, ClinGen allele CA1600900.
Genomic context (GRCh38, chr2:32,137,114, plus strand): 5'-TTTATATTTGTTATTACTTTTCTAAATGAATTGAAAAAAGATTTTTTGCTTGTAGGTACA[G>A]TCTGCTGGAGATGACAGAGTACTTGTAATGGGTGCAACTAATAGGCCACAAGAGCTTGAT-3'
Protein context (NP_055761.2, residues 463-483): TEFLIEFDGV[Gln473=]SAGDDRVLVM